The following is an entry in ClinVar:

ClinVar aggregate classification (germline): Uncertain significance (1 of 4 stars; one submission).

Conditions:
Renal cell carcinoma. Identifiers: Orphanet 217071, MedGen C0007134, MeSH D002292, MONDO:0005086, HP:0005584.

Submission:

Labcorp Genetics (formerly Invitae), Labcorp
Classification: Uncertain significance for Renal cell carcinoma. Last evaluated: 2021-07-29. Review status: criteria provided, single submitter. Criteria: Invitae Variant Classification Sherloc (09022015). Collection method: clinical testing. Allele origin: germline.
Comment: This sequence change replaces glycine with cysteine at codon 627 of the MET protein (p.Gly627Cys). The glycine residue is moderately conserved and there is a large physicochemical difference between glycine and cysteine. This variant is not present in population databases (ExAC no frequency). This variant has not been reported in the literature in individuals affected with MET-related conditions. Algorithms developed to predict the effect of missense changes on protein structure and function are either unavailable or do not agree on the potential impact of this missense change (SIFT: "Deleterious"; PolyPhen-2: "Probably Damaging"; Align-GVGD: "Class C0"). In summary, the available evidence is currently insufficient to determine the role of this variant in disease. Therefore, it has been classified as a Variant of Uncertain Significance.

NM_000245.4(MET):c.1879G>T (p.Gly627Cys)

Gene: MET (MET proto-oncogene, receptor tyrosine kinase; plus strand). Cytogenetic location: 7q31.2.
Variant type: single nucleotide variant.
Coding change: c.1879G>T on transcript NM_000245.4 (MANE Select); coding-DNA position 1879, G replaced by T.
Protein change: p.Gly627Cys; replaces glycine 627 with cysteine.
Molecular consequence: missense variant.
Genome position (GRCh38, 1-based): chr7:116,757,453, G>T. VCF-style: chr7-116757453-G-T. GRCh37 (hg19) VCF-style: chr7-116397507-G-T.
Other names: c.1879G>T, p.Gly627Cys (NM_001127500.3, NM_001324401.3); c.589G>T, p.Gly197Cys (NM_001324402.2); short protein forms G627C, G197C.
Identifiers: ClinVar variation 1439624 (VCV001439624.6), dbSNP rs2116919915, ClinGen allele CA368979248.